The following is an entry in ClinVar:

ClinVar aggregate classification (germline): Uncertain significance. Review status: criteria provided, multiple submitters, no conflicts (2 of 4 stars). 3 submissions from 3 submitters: Uncertain significance (3). Last evaluated 2025-12-23.

Conditions:
Developmental and epileptic encephalopathy, 14 (DEE14). Also called: Early infantile epileptic encephalopathy 14. Identifiers: Orphanet 293181, MedGen C3554195, MONDO:0013989, OMIM 614959.
Autosomal dominant nocturnal frontal lobe epilepsy 5. Also called: KCNT1-Related Epilepsy; CILIARY DYSKINESIA, PRIMARY, 28, WITHOUT SITUS INVERSUS; CILIARY DYSKINESIA, PRIMARY, 28, WITH SITUS INVERSUS; Epilepsy, nocturnal frontal lobe, 5. Identifiers: Orphanet 98784, MedGen C3554306, MONDO:0014002, OMIM 615005.

Allele frequency attached by ClinVar (database versions not stated): gnomAD exomes below 0.00001; TOPMed below 0.00001; gnomAD 0.00001.
gnomAD v4.1: 8 of 1,551,194 alleles (0.00052%); highest among the groups gnomAD compares: Admixed American, 0.0019%; no homozygotes.

Submissions (3):

Women's Health and Genetics/Laboratory Corporation of America, LabCorp
Classification: Uncertain significance. Last evaluated: 2025-12-23. Review status: criteria provided, single submitter. Criteria: LabCorp Variant Classification Summary - May 2015. Collection method: clinical testing. Allele origin: germline.
Comment: Variant summary: KCNT1 c.1516G>A (p.Val506Met) results in a conservative amino acid change in the encoded protein sequence. Algorithms developed to predict the effect of missense changes on protein structure and function are either unavailable or do not agree on the potential impact of this missense change. The variant was absent in 155816 control chromosomes. The available data on variant occurrences in the general population are insufficient to allow any conclusion about variant significance. To our knowledge, no occurrence of c.1516G>A in individuals affected with KCNT1-related conditions and no experimental evidence demonstrating its impact on protein function have been reported. ClinVar contains an entry for this variant (Variation ID: 1309799). Based on the evidence outlined above, the variant was classified as uncertain significance.

GeneDx
Classification: Uncertain significance. Last evaluated: 2022-09-02. Review status: criteria provided, single submitter. Criteria: GeneDx Variant Classification Process June 2021. Collection method: clinical testing. Allele origin: germline. Affected: yes.
Comment: In silico analysis supports that this missense variant has a deleterious effect on protein structure/function; Has not been previously published as pathogenic or benign to our knowledge

Labcorp Genetics (formerly Invitae), Labcorp
Classification: Uncertain significance for Autosomal dominant nocturnal frontal lobe epilepsy 5; Developmental and epileptic encephalopathy, 14. Last evaluated: 2022-08-09. Review status: criteria provided, single submitter. Criteria: Invitae Variant Classification Sherloc (09022015). Collection method: clinical testing. Allele origin: germline.
Comment: ClinVar contains an entry for this variant (Variation ID: 1309799). This variant has not been reported in the literature in individuals affected with KCNT1-related conditions. This variant is present in population databases (no rsID available, gnomAD 0.007%). This sequence change replaces valine, which is neutral and non-polar, with methionine, which is neutral and non-polar, at codon 506 of the KCNT1 protein (p.Val506Met). Advanced modeling of protein sequence and biophysical properties (such as structural, functional, and spatial information, amino acid conservation, physicochemical variation, residue mobility, and thermodynamic stability) performed at Invitae indicates that this missense variant is expected to disrupt KCNT1 protein function. In summary, the available evidence is currently insufficient to determine the role of this variant in disease. Therefore, it has been classified as a Variant of Uncertain Significance.

NM_020822.3(KCNT1):c.1516G>A (p.Val506Met)

Gene: KCNT1 (potassium sodium-activated channel subfamily T member 1; plus strand). Cytogenetic location: 9q34.3.
Variant type: single nucleotide variant.
Coding change: c.1516G>A on transcript NM_020822.3 (MANE Select); coding-DNA position 1516, G replaced by A.
Protein change: p.Val506Met; replaces valine 506 with methionine.
Molecular consequence: missense variant.
Genome position (GRCh38, 1-based): chr9:135,769,952, G>A. VCF-style: chr9-135769952-G-A. GRCh37 (hg19) VCF-style: chr9-138661798-G-A.
Other names: c.1381G>A, p.Val461Met (NM_001272003.2); short protein forms V461M, V506M.
Identifiers: ClinVar variation 1309799 (VCV001309799.12), dbSNP rs905524850, ClinGen allele CA201472666.